The following is an entry in ClinVar:

NM_001378457.1(DMXL2):c.5847C>T (p.Gly1949=)

Gene: DMXL2 (Dmx like 2; minus strand). Cytogenetic location: 15q21.2.
Variant type: single nucleotide variant.
Coding change: c.5847C>T on transcript NM_001378457.1 (MANE Select); coding-DNA position 5847, C replaced by T.
Protein change: p.Gly1949=; no amino-acid change (glycine 1949 retained).
Molecular consequence: synonymous variant. On other transcripts: non-coding transcript variant (2).
Genome position (GRCh38, 1-based): chr15:51,481,259, G>A on the plus strand (C>T on the coding strand, the complement: DMXL2 is on the minus strand). VCF-style: chr15-51481259-G-A. GRCh37 (hg19) VCF-style: chr15-51773456-G-A.
Other names: c.5847C>T (NM_001174116.1); c.5847C>T, p.Gly1949= (NM_001174116.3, NM_001378458.1, NM_001378459.1 and 4 more transcripts); c.3939C>T, p.Gly1313= (NM_001174117.3); c.3828C>T, p.Gly1276= (NM_001378460.1); c.5607C>T, p.Gly1869= (NM_001378464.1).
Identifiers: ClinVar variation 2022203 (VCV002022203.6), dbSNP rs563188842, ClinGen allele CA270598046.

ClinVar aggregate classification (germline): Likely benign. Review status: criteria provided, single submitter (1 of 4 stars). 2 submissions from 2 submitters: Likely benign (1). 1 of the submissions does not count toward it. Last evaluated 2024-10-23.

Conditions:
DMXL2-related disorder. Also called: DMXL2-related condition.

gnomAD v4.1: 5 of 1,613,806 alleles (0.00031%); highest among the groups gnomAD compares: Non-Finnish European, 0.00042%; no homozygotes.

Submissions (2):

Labcorp Genetics (formerly Invitae), Labcorp
Classification: Likely benign. Last evaluated: 2024-10-23. Review status: criteria provided, single submitter. Criteria: Invitae Variant Classification Sherloc (09022015). Collection method: clinical testing. Allele origin: germline.

PreventionGenetics, part of Exact Sciences
Classification: Likely benign for DMXL2-related condition. Last evaluated: 2024-01-04. Review status: no assertion criteria provided. Collection method: clinical testing. Allele origin: germline. Not counted in ClinVar's aggregate classification.
Comment: This variant is classified as likely benign based on ACMG/AMP sequence variant interpretation guidelines (Richards et al. 2015 PMID: 25741868, with internal and published modifications).